The following is an entry in ClinVar:

ClinVar aggregate classification (germline): Uncertain significance. Review status: criteria provided, multiple submitters, no conflicts (2 of 4 stars). 3 submissions from 3 submitters: Uncertain significance (3). Last evaluated 2024-05-15.

Conditions:
Inborn genetic diseases. Identifiers: MedGen C0950123, MeSH D030342.

Allele frequency attached by ClinVar (database versions not stated): TOPMed 0.00002; ExAC 0.00003; gnomAD 0.00003.
gnomAD v4.1: 38 of 1,612,210 alleles (0.0024%); highest among the groups gnomAD compares: Non-Finnish European, 0.0028%; no homozygotes.

Submissions (3):

Ambry Genetics
Classification: Uncertain significance for Inborn genetic diseases. Last evaluated: 2024-05-15. Review status: criteria provided, single submitter. Criteria: Ambry Variant Classification Scheme 2023. Collection method: clinical testing. Allele origin: germline.

CeGaT Center for Human Genetics Tuebingen
Classification: Uncertain significance. Last evaluated: 2023-08-01. Review status: criteria provided, single submitter. Criteria: CeGaT Center For Human Genetics Tuebingen Variant Classification Criteria Version 2. Collection method: clinical testing. Allele origin: germline. Affected: yes. Observed: 1 variant allele.
Comment: PUS1: PM2, BP4

Labcorp Genetics (formerly Invitae), Labcorp
Classification: Uncertain significance. Last evaluated: 2022-10-13. Review status: criteria provided, single submitter. Criteria: Invitae Variant Classification Sherloc (09022015). Collection method: clinical testing. Allele origin: germline.
Comment: This sequence change replaces glycine, which is neutral and non-polar, with cysteine, which is neutral and slightly polar, at codon 410 of the PUS1 protein (p.Gly410Cys). This variant is present in population databases (rs765071904, gnomAD 0.008%). This variant has not been reported in the literature in individuals affected with PUS1-related conditions. Algorithms developed to predict the effect of missense changes on protein structure and function are either unavailable or do not agree on the potential impact of this missense change (SIFT: "Tolerated"; PolyPhen-2: "Possibly Damaging"; Align-GVGD: "Class C0"). In summary, the available evidence is currently insufficient to determine the role of this variant in disease. Therefore, it has been classified as a Variant of Uncertain Significance.

NM_025215.6(PUS1):c.1228G>T (p.Gly410Cys)

Gene: PUS1 (pseudouridine synthase 1; plus strand). Cytogenetic location: 12q24.33.
Variant type: single nucleotide variant.
Coding change: c.1228G>T on transcript NM_025215.6 (MANE Select); coding-DNA position 1228, G replaced by T.
Protein change: p.Gly410Cys; replaces glycine 410 with cysteine.
Molecular consequence: missense variant.
Genome position (GRCh38, 1-based): chr12:131,941,975, G>T. VCF-style: chr12-131941975-G-T. GRCh37 (hg19) VCF-style: chr12-132426520-G-T.
Other names: c.1228G>T (NM_025215.5); c.1144G>T, p.Gly382Cys (NM_001002019.3, NM_001002020.3); short protein forms G410C, G382C.
Identifiers: ClinVar variation 2201040 (VCV002201040.26), dbSNP rs765071904, ClinGen allele CA6884354.